The following is an entry in ClinVar:

ClinVar aggregate classification (germline): Uncertain significance (1 of 4 stars; one submission).

Conditions:
Cardiovascular phenotype. Identifiers: MedGen CN230736.

Submission:

Ambry Genetics
Classification: Uncertain significance for Cardiovascular phenotype. Last evaluated: 2026-08-10. Review status: criteria provided, single submitter. Criteria: Ambry Variant Classification Scheme 2023. Collection method: clinical testing. Allele origin: germline.
Comment: The p.R231P variant (also known as c.692G>C), located in coding exon 1 of the CHST14 gene, results from a G to C substitution at nucleotide position 692. The arginine at codon 231 is replaced by proline, an amino acid with dissimilar properties. This amino acid position is conserved. In addition, this alteration is predicted to be tolerated by in silico analysis. Based on the available evidence, the clinical significance of this variant remains unclear.

NM_130468.4(CHST14):c.692G>C (p.Arg231Pro)

Gene: CHST14 (carbohydrate sulfotransferase 14; plus strand). Cytogenetic location: 15q15.1.
Variant type: single nucleotide variant.
Coding change: c.692G>C on transcript NM_130468.4 (MANE Select); coding-DNA position 692, G replaced by C.
Protein change: p.Arg231Pro; replaces arginine 231 with proline.
Molecular consequence: missense variant.
Genome position (GRCh38, 1-based): chr15:40,471,905, G>C. VCF-style: chr15-40471905-G-C. GRCh37 (hg19) VCF-style: chr15-40764104-G-C.
Other names: short protein forms R231P.
Identifiers: ClinVar variation 5034595 (VCV005034595.1).